The following is an entry in ClinVar:

NM_003079.5(SMARCE1):c.552T>A (p.Asp184Glu)

Gene: SMARCE1 (SWI/SNF related BAF chromatin remodeling complex subunit E1; minus strand). Cytogenetic location: 17q21.2.
Variant type: single nucleotide variant.
Coding change: c.552T>A on transcript NM_003079.5 (MANE Select); coding-DNA position 552, T replaced by A.
Protein change: p.Asp184Glu; replaces aspartic acid 184 with glutamic acid.
Molecular consequence: missense variant.
Genome position (GRCh38, 1-based): chr17:40,632,357, A>T on the plus strand (T>A on the coding strand, the complement: SMARCE1 is on the minus strand). VCF-style: chr17-40632357-A-T. GRCh37 (hg19) VCF-style: chr17-38788609-A-T.
Other names: c.552T>A (NM_003079.4); short protein forms D184E.
Identifiers: ClinVar variation 1442119 (VCV001442119.7), dbSNP rs1555605438, ClinGen allele CA399364924.

ClinVar aggregate classification (germline): Uncertain significance. Review status: criteria provided, multiple submitters, no conflicts (2 of 4 stars). 2 submissions from 2 submitters: Uncertain significance (2). Last evaluated 2025-01-29.

Conditions:
Familial meningioma. Also called: Meningioma, familial, susceptibility to. Identifiers: Orphanet 263662, MedGen C3551915, MONDO:0011789, OMIM 607174.

Submissions (2):

GeneDx
Classification: Uncertain significance. Last evaluated: 2025-01-29. Review status: criteria provided, single submitter. Criteria: GeneDx Variant Classification Process June 2021. Collection method: clinical testing. Allele origin: germline. Affected: yes.
Comment: Not observed at significant frequency in large population cohorts (gnomAD); In silico analysis indicates that this missense variant does not alter protein structure/function; Has not been previously published as pathogenic or benign to our knowledge; This variant is associated with the following publications: (PMID: 19245665)

Labcorp Genetics (formerly Invitae), Labcorp
Classification: Uncertain significance for Familial meningioma. Last evaluated: 2022-11-07. Review status: criteria provided, single submitter. Criteria: Invitae Variant Classification Sherloc (09022015). Collection method: clinical testing. Allele origin: germline.
Comment: This variant is not present in population databases (gnomAD no frequency). This sequence change replaces aspartic acid, which is acidic and polar, with glutamic acid, which is acidic and polar, at codon 184 of the SMARCE1 protein (p.Asp184Glu). This variant has not been reported in the literature in individuals affected with SMARCE1-related conditions. ClinVar contains an entry for this variant (Variation ID: 1442119). Advanced modeling of protein sequence and biophysical properties (such as structural, functional, and spatial information, amino acid conservation, physicochemical variation, residue mobility, and thermodynamic stability) performed at Invitae indicates that this missense variant is not expected to disrupt SMARCE1 protein function. In summary, the available evidence is currently insufficient to determine the role of this variant in disease. Therefore, it has been classified as a Variant of Uncertain Significance.